The following is an entry in ClinVar:

NM_176824.3(BBS7):c.171G>A (p.Val57=)

Gene: BBS7 (Bardet-Biedl syndrome 7; minus strand). Cytogenetic location: 4q27.
Variant type: single nucleotide variant.
Coding change: c.171G>A on transcript NM_176824.3 (MANE Select); coding-DNA position 171, G replaced by A.
Protein change: p.Val57=; no amino-acid change (valine 57 retained).
Molecular consequence: synonymous variant.
Genome position (GRCh38, 1-based): chr4:121,861,674, C>T on the plus strand (G>A on the coding strand, the complement: BBS7 is on the minus strand). VCF-style: chr4-121861674-C-T. GRCh37 (hg19) VCF-style: chr4-122782829-C-T.
Other names: p.Val57=; c.171G>A, p.Val57= (NM_018190.4).
Identifiers: ClinVar variation 462966 (VCV000462966.18), dbSNP rs144525608, ClinGen allele CA3064566.
Genomic context (GRCh38, chr4:121,861,674, plus strand): 5'-TGTGTTGATAACCCCTCCCAGTTCCAGCCTTGCAATCTTCGGCCCGGGTAAAGTCTTGAA[C>T]ACTGCCTGAAAAAAATCATTCAGGAAAAAAGTACACAAATTACTTTATTGTGAGCATTTT-3'
Protein context (NP_789794.1, residues 47-67): FGMKKGEAAA[Val57=]FKTLPGPKIA

ClinVar aggregate classification (germline): Conflicting classifications of pathogenicity. Review status: criteria provided, conflicting classifications (1 of 4 stars). 5 submissions from 5 submitters: Uncertain significance (1); Benign (1); Likely benign (2). 1 of the submissions does not count toward it. Last evaluated 2026-01-24.

Conditions:
Bardet-Biedl syndrome (BBS). Identifiers: Orphanet 110, MedGen C0752166, MONDO:0015229.
BBS7-related disorder. Also called: BBS7-related condition.
Bardet-Biedl syndrome 7 (BBS7). Identifiers: Orphanet 110, MedGen C1859565, MONDO:0014435, OMIM 615984.

Allele frequency attached by ClinVar (database versions not stated): gnomAD exomes 0.00050 and 0.00095; gnomAD 0.00060 and 0.00062; TOPMed 0.00071; ExAC 0.00077; ESP Exome Variant Server 0.00077.
gnomAD v4.1: 867 of 1,613,264 alleles (0.054%); highest among the groups gnomAD compares: Admixed American, 0.048%; 3 homozygotes.

Submissions (5):

Labcorp Genetics (formerly Invitae), Labcorp
Classification: Benign for Bardet-Biedl syndrome. Last evaluated: 2026-01-24. Review status: criteria provided, single submitter. Criteria: Invitae Variant Classification Sherloc (09022015). Collection method: clinical testing. Allele origin: germline.

Mayo Clinic Laboratories, Mayo Clinic
Classification: Likely benign. Last evaluated: 2025-03-30. Review status: criteria provided, single submitter. Criteria: ACMG Guidelines, 2015. Collection method: clinical testing. Allele origin: germline. Observed: 1 variant allele.
Comment: BS1, BP4, BP7

Blueprint Genetics
Classification: Likely benign. Last evaluated: 2024-11-26. Review status: criteria provided, single submitter. Criteria: ACMG Guidelines, 2015. Collection method: clinical testing. Allele origin: germline.

Illumina Laboratory Services, Illumina
Classification: Uncertain significance for Bardet-Biedl syndrome 7. Last evaluated: 2017-04-27. Review status: criteria provided, single submitter. Criteria: ICSL Variant Classification Criteria 13 December 2019. Collection method: clinical testing. Allele origin: germline.
Comment: This variant was observed as part of a predisposition screen in an ostensibly healthy population. A literature search was performed for the gene, cDNA change, and amino acid change (where applicable). Publications were found based on this search. However, the evidence from the literature, in combination with allele frequency data from public databases where available, was not sufficient to rule this variant in or out of causing disease. Therefore, this variant is classified as a variant of unknown significance.

PreventionGenetics, part of Exact Sciences
Classification: Benign for BBS7-related condition. Last evaluated: 2023-11-09. Review status: no assertion criteria provided. Collection method: clinical testing. Allele origin: germline. Not counted in ClinVar's aggregate classification.
Comment: This variant is classified as benign based on ACMG/AMP sequence variant interpretation guidelines (Richards et al. 2015 PMID: 25741868, with internal and published modifications).

Literature cited by the submitters: PubMed 21344540 (cited by Illumina Laboratory Services, Illumina).